The following is an entry in ClinVar:

ClinVar aggregate classification (germline): Uncertain significance (1 of 4 stars; one submission).

Conditions:
Ehlers-Danlos syndrome, classic type, 1 (EDSCL1). Also called: EHLERS-DANLOS SYNDROME, GRAVIS TYPE; EHLERS-DANLOS SYNDROME, SEVERE CLASSIC TYPE; Ehlers-Danlos syndrome, type 1; Ehlers-Danlos Syndrome, Classic Type, COL5A1-Related; EDS I. Identifiers: MedGen C0268335, MONDO:0019567, OMIM 130000.

Submission:

Labcorp Genetics (formerly Invitae), Labcorp
Classification: Uncertain significance for Ehlers-Danlos syndrome, classic type, 1. Last evaluated: 2024-06-03. Review status: criteria provided, single submitter. Criteria: Invitae Variant Classification Sherloc (09022015). Collection method: clinical testing. Allele origin: germline.
Comment: This sequence change replaces isoleucine, which is neutral and non-polar, with asparagine, which is neutral and polar, at codon 102 of the COL5A1 protein (p.Ile102Asn). This variant is not present in population databases (gnomAD no frequency). This missense change has been observed in individual(s) with Ehlers–Danlos syndrome (PMID: 31061749). Advanced modeling of protein sequence and biophysical properties (such as structural, functional, and spatial information, amino acid conservation, physicochemical variation, residue mobility, and thermodynamic stability) performed at Invitae indicates that this missense variant is not expected to disrupt COL5A1 protein function with a negative predictive value of 95%. In summary, the available evidence is currently insufficient to determine the role of this variant in disease. Therefore, it has been classified as a Variant of Uncertain Significance.

Literature cited by the submitters: PubMed 31061749.

NM_000093.5(COL5A1):c.305T>A (p.Ile102Asn)

Gene: COL5A1 (collagen type V alpha 1 chain; plus strand). Cytogenetic location: 9q34.3.
Variant type: single nucleotide variant.
Coding change: c.305T>A on transcript NM_000093.5 (MANE Select); coding-DNA position 305, T replaced by A.
Protein change: p.Ile102Asn; replaces isoleucine 102 with asparagine.
Molecular consequence: missense variant.
Genome position (GRCh38, 1-based): chr9:134,699,936, T>A. VCF-style: chr9-134699936-T-A. GRCh37 (hg19) VCF-style: chr9-137591782-T-A.
Other names: c.305T>A, p.Ile102Asn (NM_001278074.1); short protein forms I102N.
Identifiers: ClinVar variation 3609673 (VCV003609673.2).